The following is an entry in ClinVar:

NM_002485.5(NBN):c.361G>C (p.Asp121His)

Gene: NBN (nibrin; minus strand). Cytogenetic location: 8q21.3.
Variant type: single nucleotide variant.
Coding change: c.361G>C on transcript NM_002485.5 (MANE Select); coding-DNA position 361, G replaced by C.
Protein change: p.Asp121His; replaces aspartic acid 121 with histidine.
Molecular consequence: missense variant.
Genome position (GRCh38, 1-based): chr8:89,980,853, C>G on the plus strand (G>C on the coding strand, the complement: NBN is on the minus strand). VCF-style: chr8-89980853-C-G. GRCh37 (hg19) VCF-style: chr8-90993081-C-G.
Other names: c.115G>C, p.Asp39His (NM_001024688.3); short protein forms D121H, D39H.
Identifiers: ClinVar variation 231708 (VCV000231708.20), dbSNP rs777916019, ClinGen allele CA4802992.
Genomic context (GRCh38, chr8:89,980,853, plus strand): 5'-TTACAGTAAATCCTCCAAGTTGCAATATAGCTTGATTTAAAGCAGTTTTCCCAGAGACAT[C>G]TAAACAAGAAGAGCATGCAACCAAAGGCTCATACTCTATTCTGTAAATGAGAATAAGTTA-3'
Protein context (NP_002476.2, residues 111-131): EPLVACSSCL[Asp121His]VSGKTALNQA

ClinVar aggregate classification (germline): Uncertain significance. Review status: criteria provided, multiple submitters, no conflicts (2 of 4 stars). 5 submissions from 5 submitters: Uncertain significance (5). Last evaluated 2025-09-12.

Conditions:
Acute lymphoid leukemia (ALL). Also called: Lymphoblastic leukemia; Acute lymphoblastic leukemia; Acute lymphocytic leukemia; Leukemia, acute lymphoblastic, somatic. Identifiers: Orphanet 513, MedGen C0023449, MONDO:0004967, OMIM 613065, HP:0006721.
Microcephaly, normal intelligence and immunodeficiency (NBS). Also called: BERLIN BREAKAGE SYNDROME; Ataxia telangiectasia variant V1; IMMUNODEFICIENCY, MICROCEPHALY, AND CHROMOSOMAL INSTABILITY; SEEMANOVA SYNDROME II; Nijmegen breakage syndrome; Microcephaly with normal intelligence immunodeficiency and lymphoreticular malignancies. Identifiers: Orphanet 647, MedGen C0398791, MONDO:0009623, OMIM 251260.
Aplastic anemia. Identifiers: Orphanet 182040, Orphanet 88, MedGen C0002874, MONDO:0015909, OMIM 609135, HP:0001915.
Hereditary cancer-predisposing syndrome. Also called: Hereditary Cancer Syndrome; Neoplastic Syndromes, Hereditary; Tumor predisposition; Hereditary neoplastic syndrome. Identifiers: Orphanet 140162, MedGen C0027672, MeSH D009386, MONDO:0015356.

Allele frequency attached by ClinVar (database versions not stated): gnomAD exomes below 0.00001; gnomAD 0.00001; ExAC 0.00002.
gnomAD v4.1: 3 of 1,612,330 alleles (0.00019%); highest among the groups gnomAD compares: African/African-American, 0.0013%; no homozygotes.

Submissions (6):

Labcorp Genetics (formerly Invitae), Labcorp
Classification: Uncertain significance for Microcephaly, normal intelligence and immunodeficiency. Last evaluated: 2025-09-12. Review status: criteria provided, single submitter. Criteria: Invitae Variant Classification Sherloc (09022015). Collection method: clinical testing. Allele origin: germline.
Comment: This sequence change replaces aspartic acid, which is acidic and polar, with histidine, which is basic and polar, at codon 121 of the NBN protein (p.Asp121His). This variant is present in population databases (rs777916019, gnomAD 0.002%). This missense change has been observed in individual(s) with lung adenocarcinoma (PMID: 26689913). ClinVar contains an entry for this variant (Variation ID: 231708). An algorithm developed to predict the effect of missense changes on protein structure and function (PolyPhen-2) suggests that this variant is likely to be disruptive. RNA analysis performed to evaluate the impact of this missense change on mRNA splicing indicates it does not significantly alter splicing (internal data). In summary, the available evidence is currently insufficient to determine the role of this variant in disease. Therefore, it has been classified as a Variant of Uncertain Significance.

Ambry Genetics
Classification: Uncertain significance for Hereditary cancer-predisposing syndrome. Last evaluated: 2024-05-08. Review status: criteria provided, single submitter. Criteria: Ambry Variant Classification Scheme 2023. Collection method: clinical testing. Allele origin: germline.
Comment: The p.D121H variant (also known as c.361G>C), located in coding exon 4 of the NBN gene, results from a G to C substitution at nucleotide position 361. The aspartic acid at codon 121 is replaced by histidine, an amino acid with similar properties. This amino acid position is highly conserved in available vertebrate species. In addition, the in silico prediction for this alteration is inconclusive. Based on the available evidence, the clinical significance of this variant remains unclear.

Baylor Genetics
Classification: Uncertain significance for Aplastic anemia. Last evaluated: 2023-12-01. Review status: criteria provided, single submitter. Criteria: ACMG Guidelines, 2015. Collection method: clinical testing. Allele origin: unknown.

Genome-Nilou Lab
Classification: Uncertain significance for Microcephaly, normal intelligence and immunodeficiency. Last evaluated: 2021-11-07. Review status: criteria provided, single submitter. Criteria: ACMG Guidelines, 2015. Collection method: clinical testing. Allele origin: germline. Affected: no.

Fulgent Genetics
Classification: Uncertain significance for Microcephaly, normal intelligence and immunodeficiency; Aplastic anemia; Acute lymphoid leukemia. Last evaluated: 2018-10-31. Review status: criteria provided, single submitter. Criteria: ACMG Guidelines, 2015. Collection method: clinical testing. Allele origin: unknown.

Dr. Peter K. Rogan Lab, Western University
No classification provided (evidence only). Condition: Lung cancer. Review status: no classification provided. Collection method: in vitro. Allele origin: not applicable. Functional consequence: retained intron. Not counted in ClinVar's aggregate classification.

Literature cited by the submitters: PubMed 26689913 (cited by Labcorp Genetics (formerly Invitae), Labcorp).